The following is an entry in ClinVar:

NM_006269.2(RP1):c.4948T>A (p.Ser1650Thr)

Genes: RP1 (RP1 axonemal microtubule associated; plus strand), LOC126860392 (CDK7 strongly-dependent group 2 enhancer GRCh37_chr8:55541319-55542518; plus strand). Cytogenetic location: 8q12.1.
Variant type: single nucleotide variant.
Coding change: c.4948T>A on transcript NM_006269.2 (MANE Select); coding-DNA position 4948, T replaced by A.
Protein change: p.Ser1650Thr; replaces serine 1650 with threonine.
Molecular consequence: missense variant. On other transcripts: intron variant (1).
Genome position (GRCh38, 1-based): chr8:54,628,830, T>A. VCF-style: chr8-54628830-T-A. GRCh37 (hg19) VCF-style: chr8-55541390-T-A.
Other names: c.787+6542T>A (NM_001375654.1); short protein forms S1650T.
Identifiers: ClinVar variation 1448400 (VCV001448400.6), dbSNP rs2129317918, ClinGen allele CA370984493.
Genomic context (GRCh38, chr8:54,628,830, plus strand): 5'-AGGGCAATAGAAAAACTGTACGGTAAAGCAGATATTATCAAACCATCTTTTTTTCCTGGG[T>A]CTACCCGCAAATCTCAGGTTTGTCCTTATAATTCTGTGGAATTTCAGTGTTCCAGGAAAG-3'
Protein context (NP_006260.1, residues 1640-1660): DIIKPSFFPG[Ser1650Thr]TRKSQVCPYN

ClinVar aggregate classification (germline): Uncertain significance (1 of 4 stars; one submission).

Submission:

Labcorp Genetics (formerly Invitae), Labcorp
Classification: Uncertain significance. Last evaluated: 2021-09-20. Review status: criteria provided, single submitter. Criteria: Invitae Variant Classification Sherloc (09022015). Collection method: clinical testing. Allele origin: germline.
Comment: This variant has not been reported in the literature in individuals affected with RP1-related conditions. In summary, the available evidence is currently insufficient to determine the role of this variant in disease. Therefore, it has been classified as a Variant of Uncertain Significance. Algorithms developed to predict the effect of missense changes on protein structure and function output the following: SIFT: "Deleterious"; PolyPhen-2: "Benign"; Align-GVGD: "Class C0". The threonine amino acid residue is found in multiple mammalian species, which suggests that this missense change does not adversely affect protein function. This variant is not present in population databases (ExAC no frequency). This sequence change replaces serine with threonine at codon 1650 of the RP1 protein (p.Ser1650Thr). The serine residue is highly conserved and there is a small physicochemical difference between serine and threonine.